The following is an entry in ClinVar:

ClinVar aggregate classification (germline): Uncertain significance. Review status: criteria provided, multiple submitters, no conflicts (2 of 4 stars). 2 submissions from 2 submitters: Uncertain significance (2). Last evaluated 2025-05-23.

Conditions:
Inborn genetic diseases. Identifiers: MedGen C0950123, MeSH D030342.

gnomAD v4.1: 5 of 1,614,142 alleles (0.00031%); highest among the groups gnomAD compares: East Asian, 0.0022%; no homozygotes.

Submissions (2):

Ambry Genetics
Classification: Uncertain significance for Inborn genetic diseases. Last evaluated: 2025-05-23. Review status: criteria provided, single submitter. Criteria: Ambry Variant Classification Scheme 2023. Collection method: clinical testing. Allele origin: germline.

Labcorp Genetics (formerly Invitae), Labcorp
Classification: Uncertain significance. Last evaluated: 2022-06-29. Review status: criteria provided, single submitter. Criteria: Invitae Variant Classification Sherloc (09022015). Collection method: clinical testing. Allele origin: germline.
Comment: In summary, the available evidence is currently insufficient to determine the role of this variant in disease. Therefore, it has been classified as a Variant of Uncertain Significance. Algorithms developed to predict the effect of missense changes on protein structure and function are either unavailable or do not agree on the potential impact of this missense change (SIFT: "Deleterious"; PolyPhen-2: "Benign"; Align-GVGD: "Class C0"). This variant has not been reported in the literature in individuals affected with DNAH9-related conditions. This variant is not present in population databases (gnomAD no frequency). This sequence change replaces proline, which is neutral and non-polar, with alanine, which is neutral and non-polar, at codon 2431 of the DNAH9 protein (p.Pro2431Ala).

NM_001372.4(DNAH9):c.7291C>G (p.Pro2431Ala)

Gene: DNAH9 (dynein axonemal heavy chain 9; plus strand). Cytogenetic location: 17p12.
Variant type: single nucleotide variant.
Coding change: c.7291C>G on transcript NM_001372.4 (MANE Select); coding-DNA position 7291, C replaced by G.
Protein change: p.Pro2431Ala; replaces proline 2431 with alanine.
Molecular consequence: missense variant.
Genome position (GRCh38, 1-based): chr17:11,768,573, C>G. VCF-style: chr17-11768573-C-G. GRCh37 (hg19) VCF-style: chr17-11671890-C-G.
Other names: c.7291C>G (NM_001372.3); short protein forms P2431A.
Identifiers: ClinVar variation 1953956 (VCV001953956.6), dbSNP rs1442395333, ClinGen allele CA398189256.